The following is an entry in ClinVar:

NM_181552.4(CUX1):c.1576del (p.Ser526fs)

Gene: CUX1 (cut like homeobox 1; plus strand). Cytogenetic location: 7q22.1.
Variant type: Deletion.
Coding change: c.1576del on transcript NM_181552.4 (MANE Select); coding-DNA position 1576, one base deleted (A; older notation c.1576delA).
Protein change: p.Ser526fs; shifts the reading frame from serine 526.
Molecular consequence: frameshift variant. On other transcripts: intron variant (5).
Genome position (GRCh38, 1-based): chr7:102,196,987, A deleted; the last of 3 consecutive A bases (chr7:102,196,985-102,196,987); deleting any one gives the same sequence. VCF-style (leftmost placement, unchanged base first): chr7-102196984-CA-C. GRCh37 (hg19) VCF-style: chr7-101840264-CA-C.
Other names: c.1609del, p.Ser537fs (NM_001202543.2); c.1255+1384del (NM_001913.5); c.1249+1384del (NM_181500.4); c.1117+1384del (NM_001202545.3); c.1207+1384del (NM_001202544.3); c.1138+1384del (NM_001202546.3); short protein forms S526fs, S537fs.
Identifiers: ClinVar variation 1064833 (VCV001064833.2), dbSNP rs2131983329, ClinGen allele CA2499218618.

ClinVar aggregate classification (germline): Pathogenic/Likely pathogenic. Review status: criteria provided, multiple submitters, no conflicts (2 of 4 stars). 2 submissions from 2 submitters: Pathogenic (1); Likely pathogenic (1). Last evaluated 2022-12-19.

Conditions:
Neurodevelopmental disorder. Identifiers: MedGen C1535926, MeSH D065886, MONDO:0700092.
Global developmental delay with or without impaired intellectual development. Identifiers: MedGen C5193032, MONDO:0032680, OMIM 618330.

Submissions (2):

Institute of Human Genetics, University of Leipzig Medical Center
Classification: Pathogenic for Global developmental delay with or without impaired intellectual development. Last evaluated: 2022-12-19. Review status: criteria provided, single submitter. Criteria: ACMG Guidelines, 2015. Collection method: clinical testing. Allele origin: de novo. Affected: yes.
Comment: Criteria applied: PVS1, PS2_Moderate, PM2_Supporting

Laboratory of Molecular Genetics (Pr. Bezieau's lab), CHU de Nantes
Classification: Likely pathogenic for Neurodevelopmental disorder. Last evaluated: 2020-11-30. Review status: criteria provided, single submitter. Criteria: ACMG Guidelines, 2015. Collection method: clinical testing. Allele origin: germline. Affected: yes.